The following is an entry in ClinVar:

ClinVar aggregate classification (germline): Uncertain significance (1 of 4 stars; one submission).

Conditions:
Tuberous sclerosis 1 (TSC1). Identifiers: Orphanet 805, MedGen C1854465, MONDO:0008612, OMIM 191100.

Submission:

Labcorp Genetics (formerly Invitae), Labcorp
Classification: Uncertain significance for Tuberous sclerosis 1. Last evaluated: 2022-09-19. Review status: criteria provided, single submitter. Criteria: Invitae Variant Classification Sherloc (09022015). Collection method: clinical testing. Allele origin: germline.
Comment: In summary, the available evidence is currently insufficient to determine the role of this variant in disease. Therefore, it has been classified as a Variant of Uncertain Significance. Advanced modeling of protein sequence and biophysical properties (such as structural, functional, and spatial information, amino acid conservation, physicochemical variation, residue mobility, and thermodynamic stability) performed at Invitae indicates that this missense variant is not expected to disrupt TSC1 protein function. ClinVar contains an entry for this variant (Variation ID: 1054258). This variant has not been reported in the literature in individuals affected with TSC1-related conditions. This variant is not present in population databases (gnomAD no frequency). This sequence change replaces leucine, which is neutral and non-polar, with valine, which is neutral and non-polar, at codon 213 of the TSC1 protein (p.Leu213Val).

NM_000368.5(TSC1):c.637C>G (p.Leu213Val)

Gene: TSC1 (TSC complex subunit 1; minus strand). Cytogenetic location: 9q34.13.
Variant type: single nucleotide variant.
Coding change: c.637C>G on transcript NM_000368.5 (MANE Select); coding-DNA position 637, C replaced by G.
Protein change: p.Leu213Val; replaces leucine 213 with valine.
Molecular consequence: missense variant.
Genome position (GRCh38, 1-based): chr9:132,921,845, G>C on the plus strand (C>G on the coding strand, the complement: TSC1 is on the minus strand). VCF-style: chr9-132921845-G-C. GRCh37 (hg19) VCF-style: chr9-135797232-G-C.
Other names: c.637C>G, p.Leu213Val (NM_001162426.2); c.484C>G, p.Leu162Val (NM_001162427.2); c.274C>G, p.Leu92Val (NM_001362177.2); short protein forms L162V, L213V, L92V.
Identifiers: ClinVar variation 1054258 (VCV001054258.9), dbSNP rs999904570, ClinGen allele CA200901123.